The following is an entry in ClinVar:

ClinVar aggregate classification (germline): Uncertain significance (1 of 4 stars; one submission).

Allele frequency attached by ClinVar (database versions not stated): gnomAD 0.00001; 1000 Genomes Project 30x 0.00016; 1000 Genomes Project 0.00020; gnomAD exomes below 0.00001; TOPMed below 0.00001; ExAC 0.00001.
gnomAD v4.1: 3 of 1,613,782 alleles (0.00019%); highest among the groups gnomAD compares: Admixed American, 0.005%; no homozygotes.

Submission:

Labcorp Genetics (formerly Invitae), Labcorp
Classification: Uncertain significance. Last evaluated: 2024-09-30. Review status: criteria provided, single submitter. Criteria: Invitae Variant Classification Sherloc (09022015). Collection method: clinical testing. Allele origin: germline.
Comment: This sequence change falls in intron 5 of the PPP2R5D gene. It does not directly change the encoded amino acid sequence of the PPP2R5D protein. It affects a nucleotide within the consensus splice site. This variant is present in population databases (rs578158223, gnomAD 0.003%). This variant has not been reported in the literature in individuals affected with PPP2R5D-related conditions. Variants that disrupt the consensus splice site are a relatively common cause of aberrant splicing (PMID: 17576681, 9536098). Algorithms developed to predict the effect of sequence changes on RNA splicing suggest that this variant is not likely to affect RNA splicing. In summary, the available evidence is currently insufficient to determine the role of this variant in disease. Therefore, it has been classified as a Variant of Uncertain Significance.

Literature cited by the submitters: PubMed 17576681; PubMed 9536098.

NM_006245.4(PPP2R5D):c.633+4C>T

Gene: PPP2R5D (protein phosphatase 2 regulatory subunit B'delta; plus strand). Cytogenetic location: 6p21.1.
Variant type: single nucleotide variant.
Coding change: c.633+4C>T on transcript NM_006245.4 (MANE Select); 4 bases into the intron after coding-DNA position 633, C replaced by T.
Molecular consequence: intron variant.
Genome position (GRCh38, 1-based): chr6:43,007,310, C>T. VCF-style: chr6-43007310-C-T. GRCh37 (hg19) VCF-style: chr6-42975048-C-T.
Other names: c.180+4C>T (NM_001270476.2); c.537+4C>T (NM_180976.3); c.315+4C>T (NM_180977.3).
Identifiers: ClinVar variation 2881548 (VCV002881548.3), dbSNP rs578158223, ClinGen allele CA3811861.